The following is an entry in ClinVar:

NM_000080.4(CHRNE):c.1291G>C (p.Ala431Pro)

Gene: CHRNE (cholinergic receptor nicotinic epsilon subunit; minus strand). Cytogenetic location: 17p13.2.
Variant type: single nucleotide variant.
Coding change: c.1291G>C on transcript NM_000080.4 (MANE Select); coding-DNA position 1291, G replaced by C.
Protein change: p.Ala431Pro; replaces alanine 431 with proline.
Molecular consequence: missense variant.
Genome position (GRCh38, 1-based): chr17:4,899,036, C>G on the plus strand (G>C on the coding strand, the complement: CHRNE is on the minus strand). VCF-style: chr17-4899036-C-G. GRCh37 (hg19) VCF-style: chr17-4802331-C-G.
Other names: A411P; c.1291G>C, p.Ala431Pro (LRG_1254t1); short protein forms A431P.
Identifiers: ClinVar variation 18361 (VCV000018361.16), dbSNP rs121909517, ClinGen allele CA128061.

ClinVar aggregate classification (germline): Pathogenic/Likely pathogenic. Review status: criteria provided, multiple submitters, no conflicts (2 of 4 stars). 7 submissions from 7 submitters: Pathogenic (4); Likely pathogenic (2). 1 of the submissions does not count toward it. Last evaluated 2025-08-15.

Conditions:
Congenital myasthenic syndrome 4A. Also called: CONGENITAL MYASTHENIC SYNDROME TYPE Ia1; Myasthenic syndrome, congenital, 4a, slow-channel; MYASTHENIC SYNDROME, CONGENITAL, 4A, SLOW-CHANNEL, AUTOSOMAL RECESSIVE. Identifiers: Orphanet 590, MedGen C4225413, MONDO:0011600, OMIM 605809.
Congenital myasthenic syndrome 4B. Also called: Myasthenic syndrome, congenital, 4b, fast-channel. Identifiers: Orphanet 590, MedGen C4225369, MONDO:0014586, OMIM 616324.
Congenital myasthenic syndrome 4C (CMS4C). Also called: Myasthenic syndrome, congenital, associated with acetylcholine receptor deficiency. Identifiers: Orphanet 590, MedGen C1837091, MONDO:0012157, OMIM 608931.
Congenital myasthenic syndrome (CMS). Also called: Congenital Myasthenic Syndromes. Identifiers: Orphanet 590, MedGen C0751882, MeSH D020294, MONDO:0018940.

Allele frequency attached by ClinVar (database versions not stated): TOPMed 0.00001.

Submissions (7):

Natera, Inc.
Classification: Pathogenic for Congenital myasthenic syndrome. Last evaluated: 2025-08-15. Review status: criteria provided, single submitter. Criteria: Natera Variant Classification Schema (03/2026). Collection method: clinical testing. Allele origin: germline.
Comment: The c.1291G>C variant in CHRNE is a missense variant predicted to cause substitution of alanine to proline at amino acid 431. This variant is rare in the general population with a frequency below the threshold expected for the associated phenotype(s). This variant has been observed in one or more individuals affected with the associated recessive disease, as either homozygous or compound heterozygous with a second variant (PMID: 10962020, 36522822). Additionally, this variant has been observed to segregate in affected family members (PMID: 10962020). Given the available evidence, this variant is classified as Pathogenic.

Myriad Genetics, Inc.
Classification: Likely pathogenic for Congenital myasthenic syndrome. Last evaluated: 2025-01-29. Review status: criteria provided, single submitter. Criteria: Myriad Autosomal Dominant, Autosomal Recessive and X-Linked Classification Criteria (2023). Collection method: clinical testing. Allele origin: unknown.
Comment: NM_000080.3(CHRNE):c.1291G>C(A431P) is a missense variant classified as likely pathogenic in the context of congenital myasthenic syndrome, CHRNE-related. A431P has been observed in cases with relevant disease (PMID: 10962020). Relevant functional assessments of this variant are available in the literature (PMID: 10962020). A431P has been observed in referenced population frequency databases. In summary, NM_000080.3(CHRNE):c.1291G>C(A431P) is a missense variant that has been observed more frequently in cases with the relevant disease than in healthy populations. Please note: this variant was assessed in the context of healthy population screening.

GeneDx
Classification: Pathogenic. Last evaluated: 2024-05-07. Review status: criteria provided, single submitter. Criteria: GeneDx Variant Classification Process June 2021. Collection method: clinical testing. Allele origin: germline. Affected: yes.
Comment: Published functional studies demonstrate that this variant disturbs ion channel function (PMID: 10962020); Not observed at significant frequency in large population cohorts (gnomAD); In silico analysis supports that this missense variant has a deleterious effect on protein structure/function; This variant is associated with the following publications: (PMID: 10962020, 31589614)

Labcorp Genetics (formerly Invitae), Labcorp
Classification: Pathogenic for Congenital myasthenic syndrome 4A. Last evaluated: 2024-02-06. Review status: criteria provided, single submitter. Criteria: Invitae Variant Classification Sherloc (09022015). Collection method: clinical testing. Allele origin: germline.
Comment: This sequence change replaces alanine, which is neutral and non-polar, with proline, which is neutral and non-polar, at codon 431 of the CHRNE protein (p.Ala431Pro). This variant is present in population databases (rs121909517, gnomAD 0.003%). This missense change has been observed in individual(s) with autosomal recessive congenital myasthenic syndrome (PMID: 10962020). In at least one individual the data is consistent with being in trans (on the opposite chromosome) from a pathogenic variant. It has also been observed to segregate with disease in related individuals. ClinVar contains an entry for this variant (Variation ID: 18361). Advanced modeling of protein sequence and biophysical properties (such as structural, functional, and spatial information, amino acid conservation, physicochemical variation, residue mobility, and thermodynamic stability) has been performed at Invitae for this missense variant, however the output from this modeling did not meet the statistical confidence thresholds required to predict the impact of this variant on CHRNE protein function. Experimental studies have shown that this missense change affects CHRNE function (PMID: 10962020). For these reasons, this variant has been classified as Pathogenic.

Fulgent Genetics
Classification: Likely pathogenic for Congenital myasthenic syndrome 4A; Congenital myasthenic syndrome 4C; Congenital myasthenic syndrome 4B. Last evaluated: 2024-01-29. Review status: criteria provided, single submitter. Criteria: ACMG Guidelines, 2015. Collection method: clinical testing. Allele origin: germline.

Baylor Genetics
Classification: Pathogenic for Congenital myasthenic syndrome 4A. Last evaluated: 2023-08-10. Review status: criteria provided, single submitter. Criteria: ACMG Guidelines, 2015. Collection method: clinical testing. Allele origin: unknown.

OMIM
Classification: Pathogenic for CONGENITAL MYASTHENIC SYNDROME, 4B, FAST-CHANNEL. Last evaluated: 2000-09-01. Review status: no assertion criteria provided. Collection method: literature only. Allele origin: germline. Not counted in ClinVar's aggregate classification.

Literature cited by the submitters: PubMed 10962020 (cited by 4 submitters); PubMed 36522822 (cited by Natera, Inc.).